The following is an entry in ClinVar:

ClinVar aggregate classification (germline): Uncertain significance. Review status: criteria provided, multiple submitters, no conflicts (2 of 4 stars). 4 submissions from 4 submitters: Uncertain significance (4). Last evaluated 2022-10-17.

Conditions:
Inborn genetic diseases. Identifiers: MedGen C0950123, MeSH D030342.
Microcephaly 1, primary, autosomal recessive (MCPH1). Also called: PREMATURE CHROMOSOME CONDENSATION SYNDROME; PCC SYNDROME; PREMATURE CHROMOSOME CONDENSATION WITH MICROCEPHALY AND MENTAL RETARDATION. Identifiers: Orphanet 2512, MedGen C1855081, MONDO:0009617, OMIM 251200.

Allele frequency attached by ClinVar (database versions not stated): ESP Exome Variant Server 0.00025; TOPMed 0.00029.
gnomAD v4.1: 575 of 1,614,264 alleles (0.036%); highest among the groups gnomAD compares: Non-Finnish European, 0.045%; no homozygotes.

Submissions (4):

Labcorp Genetics (formerly Invitae), Labcorp
Classification: Uncertain significance. Last evaluated: 2022-10-17. Review status: criteria provided, single submitter. Criteria: Invitae Variant Classification Sherloc (09022015). Collection method: clinical testing. Allele origin: germline.
Comment: This sequence change replaces glutamic acid, which is acidic and polar, with valine, which is neutral and non-polar, at codon 530 of the MCPH1 protein (p.Glu530Val). This variant is present in population databases (rs200823026, gnomAD 0.04%). This variant has not been reported in the literature in individuals affected with MCPH1-related conditions. ClinVar contains an entry for this variant (Variation ID: 909992). Advanced modeling of protein sequence and biophysical properties (such as structural, functional, and spatial information, amino acid conservation, physicochemical variation, residue mobility, and thermodynamic stability) performed at Invitae indicates that this missense variant is not expected to disrupt MCPH1 protein function. In summary, the available evidence is currently insufficient to determine the role of this variant in disease. Therefore, it has been classified as a Variant of Uncertain Significance.

Ambry Genetics
Classification: Uncertain significance for Inborn genetic diseases. Last evaluated: 2021-10-06. Review status: criteria provided, single submitter. Criteria: Ambry Variant Classification Scheme 2023. Collection method: clinical testing. Allele origin: germline.

GeneDx
Classification: Uncertain significance. Last evaluated: 2020-12-22. Review status: criteria provided, single submitter. Criteria: GeneDx Variant Classification Process June 2021. Collection method: clinical testing. Allele origin: germline. Affected: yes.
Comment: In silico analysis supports that this missense variant does not alter protein structure/function; Has not been previously published as pathogenic or benign to our knowledge

Illumina Laboratory Services, Illumina
Classification: Uncertain significance for Microcephaly 1, primary, autosomal recessive. Last evaluated: 2018-01-12. Review status: criteria provided, single submitter. Criteria: ICSL Variant Classification Criteria 13 December 2019. Collection method: clinical testing. Allele origin: germline.

NM_024596.5(MCPH1):c.1589A>T (p.Glu530Val)

Gene: MCPH1 (microcephalin 1; plus strand). Cytogenetic location: 8p23.1.
Variant type: single nucleotide variant.
Coding change: c.1589A>T on transcript NM_024596.5 (MANE Select); coding-DNA position 1589, A replaced by T.
Protein change: p.Glu530Val; replaces glutamic acid 530 with valine.
Molecular consequence: missense variant. On other transcripts: non-coding transcript variant (1).
Genome position (GRCh38, 1-based): chr8:6,445,311, A>T. VCF-style: chr8-6445311-A-T. GRCh37 (hg19) VCF-style: chr8-6302832-A-T.
Other names: c.1589A>T, p.Glu530Val (NM_001172574.2, NM_001322042.2, NM_001363979.1 and 1 more transcripts); c.1445A>T, p.Glu482Val (NM_001172575.2); c.1583A>T, p.Glu528Val (NM_001322043.2); c.1487A>T, p.Glu496Val (NM_001322045.2); short protein forms E496V, E482V, E530V, E528V.
Identifiers: ClinVar variation 909992 (VCV000909992.9), dbSNP rs200823026, ClinGen allele CA4610597.